The following is an entry in ClinVar:

NC_000023.10:g.(?_32509374)_(32841967_?)del

Gene: DMD (dystrophin; minus strand). Cytogenetic location: Xp21.1.
Variant type: Deletion.
Identifiers: ClinVar variation 2424922 (VCV002424922.5).

ClinVar aggregate classification (germline): Pathogenic (1 of 4 stars; one submission).

Conditions:
Duchenne muscular dystrophy (DMD). Also called: Duchenne Muscular Dystrophy (DMD); MUSCULAR DYSTROPHY, PSEUDOHYPERTROPHIC PROGRESSIVE, DUCHENNE TYPE. Identifiers: Orphanet 98896, MedGen C0013264, MONDO:0010679, OMIM 310200.

Submission:

Labcorp Genetics (formerly Invitae), Labcorp
Classification: Pathogenic for Duchenne muscular dystrophy. Last evaluated: 2022-08-08. Review status: criteria provided, single submitter. Criteria: Invitae Variant Classification Sherloc (09022015). Collection method: clinical testing. Allele origin: germline.
Comment: For these reasons, this variant has been classified as Pathogenic. This variant disrupts a region of the DMD protein in which other variant(s) (Deletion (Exon 5)) have been determined to be pathogenic (PMID: 12920092, 20031633, 24292997, 26745801). This suggests that this is a clinically significant region of the protein, and that variants that disrupt it are likely to be disease-causing. This variant has not been reported in the literature in individuals affected with DMD-related conditions. This variant is a gross deletion of the genomic region encompassing exon(s) 5-20 of the DMD gene. This variant would be expected to be in-frame, preserving the integrity of the reading frame.

Literature cited by the submitters: PubMed 12920092; PubMed 20031633; PubMed 24292997; PubMed 26745801.